The following is an entry in ClinVar:

NM_006766.5(KAT6A):c.406G>A (p.Gly136Arg)

Gene: KAT6A (lysine acetyltransferase 6A; minus strand). Cytogenetic location: 8p11.21.
Variant type: single nucleotide variant.
Coding change: c.406G>A on transcript NM_006766.5 (MANE Select); coding-DNA position 406, G replaced by A.
Protein change: p.Gly136Arg; replaces glycine 136 with arginine.
Molecular consequence: missense variant.
Genome position (GRCh38, 1-based): chr8:42,048,572, C>T on the plus strand (G>A on the coding strand, the complement: KAT6A is on the minus strand). VCF-style: chr8-42048572-C-T. GRCh37 (hg19) VCF-style: chr8-41906090-C-T.
Other names: c.406G>A, p.Gly136Arg (NM_001305878.2); short protein forms G136R.
Identifiers: ClinVar variation 1223701 (VCV001223701.4), dbSNP rs1471098185, ClinGen allele CA371174740.

ClinVar aggregate classification (germline): Uncertain significance. Review status: criteria provided, multiple submitters, no conflicts (2 of 4 stars). 2 submissions from 2 submitters: Uncertain significance (2). Last evaluated 2026-02-27.

Allele frequency attached by ClinVar (database versions not stated): gnomAD exomes below 0.00001.
gnomAD v4.1: 5 of 1,614,122 alleles (0.00031%); highest among the groups gnomAD compares: South Asian, 0.0022%; no homozygotes.

Submissions (2):

Women's Health and Genetics/Laboratory Corporation of America, LabCorp
Classification: Uncertain significance. Last evaluated: 2026-02-27. Review status: criteria provided, single submitter. Criteria: LabCorp Variant Classification Summary - May 2015. Collection method: clinical testing. Allele origin: germline.
Comment: Variant summary: KAT6A c.406G>A (p.Gly136Arg) results in a non-conservative amino acid change in the encoded protein sequence. Algorithms developed to predict the effect of missense changes on protein structure and function are either unavailable or do not agree on the potential impact of this missense change. The variant allele was found at a frequency of 4e-06 in 251472 control chromosomes. The available data on variant occurrences in the general population are insufficient to allow any conclusion about variant significance. To our knowledge, no occurrence of c.406G>A in individuals affected with KAT6A-related conditions and no experimental evidence demonstrating its impact on protein function have been reported. ClinVar contains an entry for this variant (Variation ID: 1223701). Based on the evidence outlined above, the variant was classified as uncertain significance.

GeneDx
Classification: Uncertain significance. Last evaluated: 2021-02-15. Review status: criteria provided, single submitter. Criteria: GeneDx Variant Classification Process June 2021. Collection method: clinical testing. Allele origin: germline. Affected: yes.
Comment: In silico analysis, which includes protein predictors and evolutionary conservation, supports a deleterious effect; Has not been previously published as pathogenic or benign to our knowledge